The following is an entry in ClinVar:

ClinVar aggregate classification (germline): Conflicting classifications of pathogenicity. Review status: criteria provided, conflicting classifications (1 of 4 stars). 2 submissions from 2 submitters: Uncertain significance (1); Likely benign (1). Last evaluated 2025-02-22.

Conditions:
Inborn genetic diseases. Identifiers: MedGen C0950123, MeSH D030342.

Allele frequency attached by ClinVar (database versions not stated): gnomAD exomes below 0.00001.
gnomAD v4.1: 5 of 1,209,789 alleles (0.00041%); highest among the groups gnomAD compares: Admixed American, 0.011%; no homozygotes.

Submissions (2):

Ambry Genetics
Classification: Likely benign for Inborn genetic diseases. Last evaluated: 2025-02-22. Review status: criteria provided, single submitter. Criteria: Ambry Variant Classification Scheme 2023. Collection method: clinical testing. Allele origin: germline.

Labcorp Genetics (formerly Invitae), Labcorp
Classification: Uncertain significance. Last evaluated: 2022-09-01. Review status: criteria provided, single submitter. Criteria: Invitae Variant Classification Sherloc (09022015). Collection method: clinical testing. Allele origin: germline.
Comment: This variant has not been reported in the literature in individuals affected with FRMD7-related conditions. This variant is present in population databases (no rsID available, gnomAD 0.004%), including at least one homozygous and/or hemizygous individual. This sequence change replaces serine, which is neutral and polar, with leucine, which is neutral and non-polar, at codon 705 of the FRMD7 protein (p.Ser705Leu). In summary, the available evidence is currently insufficient to determine the role of this variant in disease. Therefore, it has been classified as a Variant of Uncertain Significance. Algorithms developed to predict the effect of missense changes on protein structure and function output the following: SIFT: "Tolerated"; PolyPhen-2: "Benign"; Align-GVGD: "Class C0". The leucine amino acid residue is found in multiple mammalian species, which suggests that this missense change does not adversely affect protein function.

NM_194277.3(FRMD7):c.2114C>T (p.Ser705Leu)

Gene: FRMD7 (FERM domain containing 7; minus strand). Cytogenetic location: Xq26.2.
Variant type: single nucleotide variant.
Coding change: c.2114C>T on transcript NM_194277.3 (MANE Select); coding-DNA position 2114, C replaced by T.
Protein change: p.Ser705Leu; replaces serine 705 with leucine.
Molecular consequence: missense variant.
Genome position (GRCh38, 1-based): chrX:132,077,903, G>A on the plus strand (C>T on the coding strand, the complement: FRMD7 is on the minus strand). VCF-style: chrX-132077903-G-A. GRCh37 (hg19) VCF-style: chrX-131211931-G-A.
Other names: c.2069C>T, p.Ser690Leu (NM_001306193.2); short protein forms S705L, S690L.
Identifiers: ClinVar variation 1947440 (VCV001947440.6), dbSNP rs1259890351, ClinGen allele CA414677572.
Genomic context (GRCh38, chrX:132,077,903, plus strand): 5'-GGCTCAGAAATGTCCATAGGTTCACACTTTTAAGCTAAAAAGTAATTACATGGTTTTAGT[G>A]AAGTCCTGTCTTCAGCAGTTGGTGTGTTGAAATAAGCATCTTCATCTTCTTCATCTAACT-3'
Protein context (NP_919253.1, residues 695-714): FNTPTAEDRT[Ser705Leu]LKPCNYFLA